The following is an entry in ClinVar:

ClinVar aggregate classification (germline): Uncertain significance (1 of 4 stars; one submission).

gnomAD v4.1: 2 of 1,613,850 alleles (0.00012%); highest among the groups gnomAD compares: Non-Finnish European, 0.00017%; no homozygotes.

Submission:

Labcorp Genetics (formerly Invitae), Labcorp
Classification: Uncertain significance. Last evaluated: 2024-08-14. Review status: criteria provided, single submitter. Criteria: Invitae Variant Classification Sherloc (09022015). Collection method: clinical testing. Allele origin: germline.
Comment: This sequence change replaces alanine, which is neutral and non-polar, with threonine, which is neutral and polar, at codon 2 of the BNC2 protein (p.Ala2Thr). This variant is present in population databases (rs769895835, gnomAD 0.0009%). This variant has not been reported in the literature in individuals affected with BNC2-related conditions. Experimental studies and prediction algorithms are not available or were not evaluated, and the functional significance of this variant is currently unknown. Algorithms developed to predict the effect of sequence changes on RNA splicing suggest that this variant may disrupt the consensus splice site. In summary, the available evidence is currently insufficient to determine the role of this variant in disease. Therefore, it has been classified as a Variant of Uncertain Significance.

NM_017637.6(BNC2):c.4G>A (p.Ala2Thr)

Gene: BNC2 (basonuclin zinc finger protein 2; minus strand). Cytogenetic location: 9p22.2.
Variant type: single nucleotide variant.
Coding change: c.4G>A on transcript NM_017637.6 (MANE Select); coding-DNA position 4, G replaced by A.
Protein change: p.Ala2Thr; replaces alanine 2 with threonine.
Molecular consequence: missense variant. On other transcripts: intron variant (2).
Genome position (GRCh38, 1-based): chr9:16,738,485, C>T on the plus strand (G>A on the coding strand, the complement: BNC2 is on the minus strand). VCF-style: chr9-16738485-C-T. GRCh37 (hg19) VCF-style: chr9-16738483-C-T.
Other names: c.4-10488G>A (NM_001317939.2); c.45+93759G>A (NM_001317940.2); short protein forms A2T.
Identifiers: ClinVar variation 3622187 (VCV003622187.2).
Genomic context (GRCh38, chr9:16,738,485, plus strand): 5'-TAAGCCTGTCCTCTGATTTGTAATTAAGGCTATGTGGAGGTGGGGTGGGCCCAAGGTGTG[C>T]CTATTGAGAGATTGGGAAAGGAAATTACATATGCCCAGACAGTATTACTTAAAAGCATTG-3'
Protein context (NP_060107.3, residues 1-12): M[Ala2Thr]HLGPTPPPHS